The following is an entry in ClinVar:

ClinVar aggregate classification (germline): Uncertain significance. Review status: criteria provided, multiple submitters, no conflicts (2 of 4 stars). 2 submissions from 2 submitters: Uncertain significance (2). Last evaluated 2025-07-22.

Conditions:
Cardiovascular phenotype. Identifiers: MedGen CN230736.
Progressive familial heart block type IB (PFHB1B). Identifiers: Orphanet 871, MedGen C1970298, MONDO:0011474, OMIM 604559.

Submissions (2):

Ambry Genetics
Classification: Uncertain significance for Cardiovascular phenotype. Last evaluated: 2025-07-22. Review status: criteria provided, single submitter. Criteria: Ambry Variant Classification Scheme 2023. Collection method: clinical testing. Allele origin: germline.
Comment: The p.W110C variant (also known as c.330G>C), located in coding exon 4 of the TRPM4 gene, results from a G to C substitution at nucleotide position 330. The tryptophan at codon 110 is replaced by cysteine, an amino acid with highly dissimilar properties. This amino acid position is conserved. In addition, the in silico prediction for this alteration is inconclusive. Based on the available evidence, the clinical significance of this variant remains unclear.

Labcorp Genetics (formerly Invitae), Labcorp
Classification: Uncertain significance for Progressive familial heart block type IB. Last evaluated: 2025-07-18. Review status: criteria provided, single submitter. Criteria: Invitae Variant Classification Sherloc (09022015). Collection method: clinical testing. Allele origin: germline.
Comment: This sequence change replaces tryptophan, which is neutral and slightly polar, with cysteine, which is neutral and slightly polar, at codon 110 of the TRPM4 protein (p.Trp110Cys). This variant is not present in population databases (gnomAD no frequency). This variant has not been reported in the literature in individuals affected with TRPM4-related conditions. ClinVar contains an entry for this variant (Variation ID: 2726139). An algorithm developed to predict the effect of missense changes on protein structure and function (PolyPhen-2) suggests that this variant is likely to be disruptive. In summary, the available evidence is currently insufficient to determine the role of this variant in disease. Therefore, it has been classified as a Variant of Uncertain Significance.

NM_017636.4(TRPM4):c.330G>C (p.Trp110Cys)

Gene: TRPM4 (transient receptor potential cation channel subfamily M member 4; plus strand). Cytogenetic location: 19q13.33.
Variant type: single nucleotide variant.
Coding change: c.330G>C on transcript NM_017636.4 (MANE Select); coding-DNA position 330, G replaced by C.
Protein change: p.Trp110Cys; replaces tryptophan 110 with cysteine.
Molecular consequence: missense variant. On other transcripts: intron variant (4).
Genome position (GRCh38, 1-based): chr19:49,167,979, G>C. VCF-style: chr19-49167979-G-C. GRCh37 (hg19) VCF-style: chr19-49671236-G-C.
Other names: c.330G>C, p.Trp110Cys (NM_001195227.2); c.-1105-281G>C (NM_001321282.2); c.268-574G>C (NM_001321281.2); c.-74-281G>C (NM_001321283.2); c.-237-574G>C (NM_001321285.2); c.330G>C (NM_017636.3); short protein forms W110C.
Identifiers: ClinVar variation 2726139 (VCV002726139.4), dbSNP rs903425793, ClinGen allele CA309430715.